The following is an entry in ClinVar:

NM_001972.4(ELANE):c.403G>T (p.Val135Leu)

Gene: ELANE (elastase, neutrophil expressed; plus strand). Cytogenetic location: 19p13.3.
Variant type: single nucleotide variant.
Coding change: c.403G>T on transcript NM_001972.4 (MANE Select); coding-DNA position 403, G replaced by T.
Protein change: p.Val135Leu; replaces valine 135 with leucine.
Molecular consequence: missense variant.
Genome position (GRCh38, 1-based): chr19:855,600, G>T. VCF-style: chr19-855600-G-T. GRCh37 (hg19) VCF-style: chr19-855600-G-T.
Other names: short protein forms V135L.
Identifiers: ClinVar variation 2933841 (VCV002933841.3), dbSNP rs774457980, ClinGen allele CA402917883.

ClinVar aggregate classification (germline): Uncertain significance (1 of 4 stars; one submission).

Conditions:
Neutropenia, severe congenital, 1, autosomal dominant. Identifiers: MedGen C1859966, MONDO:0042490, OMIM 202700.
Cyclical neutropenia. Also called: Cyclic hematopoiesis; Cyclic Neutropenia. Identifiers: Orphanet 2686, MedGen C0221023, MONDO:0008090, OMIM 162800, HP:0040289. Disease mechanism: loss of function.

gnomAD v4.1: 3 of 1,601,298 alleles (0.00019%); highest among the groups gnomAD compares: Non-Finnish European, 0.00025%; no homozygotes.

Submission:

Labcorp Genetics (formerly Invitae), Labcorp
Classification: Uncertain significance for Neutropenia, severe congenital, 1, autosomal dominant; Cyclical neutropenia. Last evaluated: 2023-08-14. Review status: criteria provided, single submitter. Criteria: Invitae Variant Classification Sherloc (09022015). Collection method: clinical testing. Allele origin: germline.
Comment: In summary, the available evidence is currently insufficient to determine the role of this variant in disease. Therefore, it has been classified as a Variant of Uncertain Significance. This sequence change replaces valine, which is neutral and non-polar, with leucine, which is neutral and non-polar, at codon 135 of the ELANE protein (p.Val135Leu). This variant is present in population databases (no rsID available, gnomAD 0.0009%). This variant has not been reported in the literature in individuals affected with ELANE-related conditions. Advanced modeling of protein sequence and biophysical properties (such as structural, functional, and spatial information, amino acid conservation, physicochemical variation, residue mobility, and thermodynamic stability) performed at Invitae indicates that this missense variant is not expected to disrupt ELANE protein function.